The following is an entry in ClinVar:

NM_000179.3(MSH6):c.3889_3891delinsGG (p.Ser1297fs)

Gene: MSH6 (mutS homolog 6; plus strand). Cytogenetic location: 2p16.3.
Variant type: Indel.
Coding change: c.3889_3891delinsGG on transcript NM_000179.3 (MANE Select); coding-DNA positions 3889 to 3891, AGC replaced by GG.
Protein change: p.Ser1297fs; shifts the reading frame from serine 1297.
Molecular consequence: frameshift variant.
Genome position (GRCh38, 1-based): chr2:47,806,539-47,806,541, AGC replaced by GG. VCF-style: chr2-47806539-AGC-GG. GRCh37 (hg19) VCF-style: chr2-48033678-AGC-GG.
Other names: c.3499_3501delinsGG, p.Ser1167fs (NM_001281492.2); c.2983_2985delinsGG, p.Ser995fs (NM_001281493.2, NM_001281494.2); c.3985_3987delAGCinsGG, p.Ser1329Glyfs (NM_001406795.1); c.3889_3891delAGCinsGG, p.Ser1297Glyfs (NM_001406796.1, NM_001406808.1, NM_001406809.1); c.3592_3594delAGCinsGG, p.Ser1198Glyfs (NM_001406797.1, NM_001406801.1, NM_001406805.1 and 10 more transcripts); c.3715_3717delAGCinsGG, p.Ser1239Glyfs (NM_001406798.1); c.3364_3366delAGCinsGG, p.Ser1122Glyfs (NM_001406799.1, NM_001406806.1, NM_001406807.1); c.3876_3878delAGCinsGG, p.Ala1293Valfs (NM_001406800.1); and 9 more; short protein forms S1297fs, S995fs, S1167fs.
Identifiers: ClinVar variation 1735860 (VCV001735860.3), dbSNP rs2530865884, ClinGen allele CA2580067433.

ClinVar aggregate classification (germline): Pathogenic/Likely pathogenic. Review status: criteria provided, multiple submitters, no conflicts (2 of 4 stars). 2 submissions from 2 submitters: Pathogenic (1); Likely pathogenic (1). Last evaluated 2023-08-28.

Conditions:
Hereditary cancer-predisposing syndrome. Also called: Neoplastic Syndromes, Hereditary; Tumor predisposition; Hereditary Cancer Syndrome; Hereditary neoplastic syndrome. Identifiers: Orphanet 140162, MedGen C0027672, MeSH D009386, MONDO:0015356.
Lynch syndrome 5 (LYNCH5). Also called: Colorectal cancer, hereditary nonpolyposis, type 5; Hereditary non-polyposis colorectal cancer, type 5. Identifiers: Orphanet 144, MedGen C1833477, MONDO:0013710, OMIM 614350. Disease mechanism: loss of function.

Submissions (2):

Myriad Genetics, Inc.
Classification: Pathogenic for Lynch syndrome 5. Last evaluated: 2023-08-28. Review status: criteria provided, single submitter. Criteria: Myriad Autosomal Dominant, Autosomal Recessive and X-Linked Classification Criteria (2023). Collection method: clinical testing. Allele origin: unknown.
Comment: This variant is considered pathogenic. This variant creates a frameshift predicted to result in premature protein truncation.

Ambry Genetics
Classification: Likely pathogenic for Hereditary cancer-predisposing syndrome. Last evaluated: 2019-12-11. Review status: criteria provided, single submitter. Criteria: Ambry Variant Classification Scheme 2023. Collection method: clinical testing. Allele origin: germline.
Comment: The c.3889_3891delAGCinsGG variant, located in coding exon 9 of the MSH6 gene, results from the deletion of 3 nucleotides and insertion of two nucleotides at positions 3889 to 3891, causing a translational frameshift with a predicted alternate stop codon (p.S1297Gfs*30). This alteration is expected to result in loss of function by premature protein truncation. Based on the majority of available evidence to date, this variant is likely to be pathogenic.